The following is an entry in ClinVar:

NM_006514.4(SCN10A):c.2137G>C (p.Val713Leu)

Gene: SCN10A (sodium voltage-gated channel alpha subunit 10; minus strand). Cytogenetic location: 3p22.2.
Variant type: single nucleotide variant.
Coding change: c.2137G>C on transcript NM_006514.4 (MANE Select); coding-DNA position 2137, G replaced by C.
Protein change: p.Val713Leu; replaces valine 713 with leucine.
Molecular consequence: missense variant.
Genome position (GRCh38, 1-based): chr3:38,739,658, C>G on the plus strand (G>C on the coding strand, the complement: SCN10A is on the minus strand). VCF-style: chr3-38739658-C-G. GRCh37 (hg19) VCF-style: chr3-38781149-C-G.
Other names: c.2137G>C, p.Val713Leu (NM_001293306.2); c.1843G>C, p.Val615Leu (NM_001293307.2); short protein forms V615L, V713L.
Identifiers: ClinVar variation 1432428 (VCV001432428.8), dbSNP rs1490375691, ClinGen allele CA352164599.
Genomic context (GRCh38, chr3:38,739,658, plus strand): 5'-CAAAGATATTCCACTTCTTCTGGAAATAATAGTATGGGTCGAAGGCAATGATTTTGAAGA[C>G]CATTTCAGCAGTAAAAAATATGGTAAAGACCTAGGAGTGGAAACAAGCTTTCATCACAGT-3'
Protein context (NP_006505.4, residues 703-723): VFTIFFTAEM[Val713Leu]FKIIAFDPYY

ClinVar aggregate classification (germline): Uncertain significance (1 of 4 stars; one submission).

Conditions:
Brugada syndrome. Also called: Sudden unexpected nocturnal death syndrome; Sudden unexplained nocturnal death syndrome; Sudden Unexplained Death Syndrome; Sudden Unexplained Nocturnal Death Syndrome (SUNDS). Identifiers: Orphanet 130, MedGen C1142166, MONDO:0015263.

Allele frequency attached by ClinVar (database versions not stated): gnomAD exomes below 0.00001.
gnomAD v4.1: 1 of 1,613,986 alleles (0.000062%); highest among the groups gnomAD compares: Admixed American, 0.0017%; no homozygotes.

Submission:

Labcorp Genetics (formerly Invitae), Labcorp
Classification: Uncertain significance for Brugada syndrome. Last evaluated: 2022-08-09. Review status: criteria provided, single submitter. Criteria: Invitae Variant Classification Sherloc (09022015). Collection method: clinical testing. Allele origin: germline.
Comment: In summary, the available evidence is currently insufficient to determine the role of this variant in disease. Therefore, it has been classified as a Variant of Uncertain Significance. Advanced modeling of protein sequence and biophysical properties (such as structural, functional, and spatial information, amino acid conservation, physicochemical variation, residue mobility, and thermodynamic stability) performed at Invitae indicates that this missense variant is not expected to disrupt SCN10A protein function. ClinVar contains an entry for this variant (Variation ID: 1432428). This variant has not been reported in the literature in individuals affected with SCN10A-related conditions. This variant is present in population databases (no rsID available, gnomAD 0.003%). This sequence change replaces valine, which is neutral and non-polar, with leucine, which is neutral and non-polar, at codon 713 of the SCN10A protein (p.Val713Leu).